The following is an entry in ClinVar:

ClinVar aggregate classification (germline): Pathogenic (1 of 4 stars; one submission).

Submission:

Labcorp Genetics (formerly Invitae), Labcorp
Classification: Pathogenic. Last evaluated: 2023-08-04. Review status: criteria provided, single submitter. Criteria: Invitae Variant Classification Sherloc (09022015). Collection method: clinical testing. Allele origin: unknown.
Comment: This variant is a gross deletion of the genomic region encompassing exon(s) 3 of the SERPINF1 gene. This deletion is out-of-frame, and is expected to create a premature termination codon and result in an absent or disrupted protein product. Loss-of-function variants in SERPINF1 are known to be pathogenic (PMID: 21353196, 21826736). This variant has not been reported in the literature in individuals affected with SERPINF1-related conditions. For these reasons, this variant has been classified as Pathogenic.

Literature cited by the submitters: PubMed 21353196; PubMed 21826736.

NC_000017.10:g.(?_1673126)_(1673364_?)del

Gene: SERPINF1 (serpin family F member 1; plus strand). Cytogenetic location: 17p13.3.
Variant type: Deletion.
Identifiers: ClinVar variation 3243152 (VCV003243152.1).